The following is an entry in ClinVar:

ClinVar aggregate classification (germline): Uncertain significance (1 of 4 stars; one submission).

Allele frequency attached by ClinVar (database versions not stated): gnomAD exomes below 0.00001.

Submission:

Ambry Genetics
Classification: Uncertain significance. Last evaluated: 2024-02-17. Review status: criteria provided, single submitter. Criteria: Ambry Variant Classification Scheme 2023. Collection method: clinical testing. Allele origin: germline.
Comment: The p.R334W variant (also known as c.1000C>T), located in coding exon 3 of the EGLN2 gene, results from a C to T substitution at nucleotide position 1000. The arginine at codon 334 is replaced by tryptophan, an amino acid with dissimilar properties. This amino acid position is conserved. In addition, this alteration is predicted to be tolerated by in silico analysis. Since supporting evidence is limited at this time, the clinical significance of this alteration remains unclear.

NM_080732.4(EGLN2):c.1000C>T (p.Arg334Trp)

Genes: EGLN2 (egl-9 family hypoxia inducible factor 2; plus strand), RAB4B-EGLN2 (RAB4B-EGLN2 readthrough (NMD candidate); plus strand). Cytogenetic location: 19q13.2.
Variant type: single nucleotide variant.
Coding change: c.1000C>T on transcript NM_080732.4 (MANE Select); coding-DNA position 1000, C replaced by T.
Protein change: p.Arg334Trp; replaces arginine 334 with tryptophan.
Molecular consequence: missense variant. On other transcripts: non-coding transcript variant (1).
Genome position (GRCh38, 1-based): chr19:40,807,174, C>T. VCF-style: chr19-40807174-C-T. GRCh37 (hg19) VCF-style: chr19-41313079-C-T.
Other names: c.1000C>T, p.Arg334Trp (NM_053046.4); short protein forms R334W.
Identifiers: ClinVar variation 1740269 (VCV001740269.2), dbSNP rs2516008656, ClinGen allele CA405956461.